The following is an entry in ClinVar:

ClinVar aggregate classification (germline): Uncertain significance (1 of 4 stars; one submission).

Conditions:
Cardiovascular phenotype. Identifiers: MedGen CN230736.

gnomAD v4.1: 2 of 1,550,364 alleles (0.00013%); highest among the groups gnomAD compares: South Asian, 0.0024%; no homozygotes.

Submission:

Ambry Genetics
Classification: Uncertain significance for Cardiovascular phenotype. Last evaluated: 2022-11-15. Review status: criteria provided, single submitter. Criteria: Ambry Variant Classification Scheme 2023. Collection method: clinical testing. Allele origin: germline.
Comment: The p.H2541N variant (also known as c.7621C>A), located in coding exon 2 of the ZNF469 gene, results from a C to A substitution at nucleotide position 7621. The histidine at codon 2541 is replaced by asparagine, an amino acid with similar properties. This amino acid position is conserved. In addition, this alteration is predicted to be tolerated by in silico analysis. Since supporting evidence is limited at this time, the clinical significance of this alteration remains unclear.

NM_001367624.2(ZNF469):c.7705C>A (p.His2569Asn)

Gene: ZNF469 (zinc finger protein 469; plus strand). Cytogenetic location: 16q24.2.
Variant type: single nucleotide variant.
Coding change: c.7705C>A on transcript NM_001367624.2 (MANE Select); coding-DNA position 7705, C replaced by A.
Protein change: p.His2569Asn; replaces histidine 2569 with asparagine.
Molecular consequence: missense variant.
Genome position (GRCh38, 1-based): chr16:88,435,175, C>A. VCF-style: chr16-88435175-C-A. GRCh37 (hg19) VCF-style: chr16-88501583-C-A.
Other names: NM_001127464.1:c.7621C>A; short protein forms H2569N.
Identifiers: ClinVar variation 2449442 (VCV002449442.2), dbSNP rs1230293074, ClinGen allele CA397114246.